The following is an entry in ClinVar:

NM_001843.4(CNTN1):c.1517G>A (p.Arg506Gln)

Gene: CNTN1 (contactin 1; plus strand). Cytogenetic location: 12q12.
Variant type: single nucleotide variant.
Coding change: c.1517G>A on transcript NM_001843.4 (MANE Select); coding-DNA position 1517, G replaced by A.
Protein change: p.Arg506Gln; replaces arginine 506 with glutamine.
Molecular consequence: missense variant.
Genome position (GRCh38, 1-based): chr12:40,944,004, G>A. VCF-style: chr12-40944004-G-A. GRCh37 (hg19) VCF-style: chr12-41337806-G-A.
Other names: c.1517G>A, p.Arg506Gln (NM_001256063.2, NM_001256064.2); c.1484G>A, p.Arg495Gln (NM_175038.2); short protein forms R495Q, R506Q.
Identifiers: ClinVar variation 4070801 (VCV004070801.1).

ClinVar aggregate classification (germline): Uncertain significance (1 of 4 stars; one submission).

gnomAD v4.1: 12 of 1,613,110 alleles (0.00074%); highest among the groups gnomAD compares: African/African-American, 0.0053%; no homozygotes.

Submission:

GeneDx
Classification: Uncertain significance. Last evaluated: 2025-01-17. Review status: criteria provided, single submitter. Criteria: GeneDx Variant Classification Process June 2021. Collection method: clinical testing. Allele origin: germline. Affected: yes.
Comment: In silico analysis indicates that this missense variant does not alter protein structure/function; Has not been previously published as pathogenic or benign to our knowledge